The following is an entry in ClinVar:

NM_000051.4(ATM):c.5608T>C (p.Phe1870Leu)

Gene: ATM (ATM serine/threonine kinase; plus strand). Cytogenetic location: 11q22.3.
Variant type: single nucleotide variant.
Coding change: c.5608T>C on transcript NM_000051.4 (MANE Select); coding-DNA position 5608, T replaced by C.
Protein change: p.Phe1870Leu; replaces phenylalanine 1870 with leucine.
Molecular consequence: missense variant.
Genome position (GRCh38, 1-based): chr11:108,304,786, T>C. VCF-style: chr11-108304786-T-C. GRCh37 (hg19) VCF-style: chr11-108175513-T-C.
Other names: c.5608T>C, p.Phe1870Leu (NM_001351834.2); short protein forms F1870L.
Identifiers: ClinVar variation 2682297 (VCV002682297.4), dbSNP rs1348637208, ClinGen allele CA382546271.
Genomic context (GRCh38, chr11:108,304,786, plus strand): 5'-TTACTCCAAGATACAAATGAATCATGGAGAAATCTGCTTTCTACACATGTTCAGGGATTT[T>C]TCACCAGCTGTCTTCGACACTTCTCGCAAACGAGCCGATCCACAACCCCTGCAAACTTGG-3'
Protein context (NP_000042.3, residues 1860-1880): NLLSTHVQGF[Phe1870Leu]TSCLRHFSQT

ClinVar aggregate classification (germline): Uncertain significance. Review status: criteria provided, multiple submitters, no conflicts (2 of 4 stars). 2 submissions from 2 submitters: Uncertain significance (2). Last evaluated 2023-11-30.

Conditions:
Ataxia-telangiectasia syndrome (AT). Also called: AT, COMPLEMENTATION GROUP C; Ataxia telangiectasia (A-T); Cerebello-oculocutaneous telangiectasia; Immunodeficiency with ataxia telangiectasia; LOUIS-BAR SYNDROME; ATAXIA-TELANGIECTASIA, COMPLEMENTATION GROUP A. Identifiers: Orphanet 100, MedGen C0004135, MONDO:0008840, OMIM 208900.

Submissions (2):

Women's Health and Genetics/Laboratory Corporation of America, LabCorp
Classification: Uncertain significance. Last evaluated: 2023-11-30. Review status: criteria provided, single submitter. Criteria: LabCorp Variant Classification Summary - May 2015. Collection method: clinical testing. Allele origin: germline.

Labcorp Genetics (formerly Invitae), Labcorp
Classification: Uncertain significance for Ataxia-telangiectasia syndrome. Last evaluated: 2023-10-26. Review status: criteria provided, single submitter. Criteria: Invitae Variant Classification Sherloc (09022015). Collection method: clinical testing. Allele origin: germline.
Comment: This sequence change replaces phenylalanine, which is neutral and non-polar, with leucine, which is neutral and non-polar, at codon 1870 of the ATM protein (p.Phe1870Leu). This variant is not present in population databases (gnomAD no frequency). This variant has not been reported in the literature in individuals affected with ATM-related conditions. An algorithm developed to predict the effect of missense changes on protein structure and function (PolyPhen-2) suggests that this variant is likely to be disruptive. In summary, the available evidence is currently insufficient to determine the role of this variant in disease. Therefore, it has been classified as a Variant of Uncertain Significance.